The following is an entry in ClinVar:

ClinVar aggregate classification (germline): Uncertain significance. Review status: criteria provided, multiple submitters, no conflicts (2 of 4 stars). 5 submissions from 5 submitters: Uncertain significance (4). 1 of the submissions does not count toward it. Last evaluated 2025-07-14.

Conditions:
Mitochondrial complex IV deficiency, nuclear type 17. Also called: Mitochondrial complex 4 deficiency, nuclear type 17. Identifiers: MedGen C5436718, MONDO:0033652, OMIM 619061.

Allele frequency attached by ClinVar (database versions not stated): gnomAD exomes 0.00002 and 0.00006; TOPMed 0.00024; gnomAD 0.00030; 1000 Genomes Project 0.00060; 1000 Genomes Project 30x 0.00062.
gnomAD v4.1: 76 of 1,539,452 alleles (0.0049%); highest among the groups gnomAD compares: African/African-American, 0.091%; no homozygotes.

Submissions (5):

GeneDx
Classification: Uncertain significance. Last evaluated: 2025-07-14. Review status: criteria provided, single submitter. Criteria: GeneDx Variant Classification Process June 2021. Collection method: clinical testing. Allele origin: germline. Affected: yes.
Comment: In silico analysis suggests that this missense variant does not alter protein structure/function; Has not been previously published as pathogenic or benign to our knowledge

Blueprint Genetics
Classification: Uncertain significance. Last evaluated: 2023-08-17. Review status: criteria provided, single submitter. Criteria: ACMG Guidelines, 2015. Collection method: clinical testing. Allele origin: germline.

Labcorp Genetics (formerly Invitae), Labcorp
Classification: Uncertain significance. Last evaluated: 2022-08-22. Review status: criteria provided, single submitter. Criteria: Invitae Variant Classification Sherloc (09022015). Collection method: clinical testing. Allele origin: germline.
Comment: Algorithms developed to predict the effect of missense changes on protein structure and function (SIFT, PolyPhen-2, Align-GVGD) all suggest that this variant is likely to be tolerated. In summary, the available evidence is currently insufficient to determine the role of this variant in disease. Therefore, it has been classified as a Variant of Uncertain Significance. ClinVar contains an entry for this variant (Variation ID: 559337). This sequence change replaces arginine, which is basic and polar, with leucine, which is neutral and non-polar, at codon 47 of the APOPT1 protein (p.Arg47Leu). The frequency data for this variant in the population databases is considered unreliable, as metrics indicate poor data quality at this position in the gnomAD database. This variant has not been reported in the literature in individuals affected with APOPT1-related conditions.

Fulgent Genetics
Classification: Uncertain significance for Mitochondrial complex IV deficiency, nuclear type 17. Last evaluated: 2022-04-20. Review status: criteria provided, single submitter. Criteria: ACMG Guidelines, 2015. Collection method: clinical testing. Allele origin: unknown.

Mayo Clinic Laboratories, Mayo Clinic
Classification: Uncertain significance. Last evaluated: 2017-09-15. Review status: no assertion criteria provided. Collection method: clinical testing. Allele origin: unknown. Not counted in ClinVar's aggregate classification.

NM_001370595.2(COA8):c.101G>T (p.Arg34Leu)

Gene: COA8 (cytochrome c oxidase assembly factor 8; plus strand). Cytogenetic location: 14q32.33.
Variant type: single nucleotide variant.
Coding change: c.101G>T on transcript NM_001370595.2 (MANE Select); coding-DNA position 101, G replaced by T.
Protein change: p.Arg34Leu; replaces arginine 34 with leucine.
Molecular consequence: missense variant. On other transcripts: non-coding transcript variant (2).
Genome position (GRCh38, 1-based): chr14:103,563,102, G>T. VCF-style: chr14-103563102-G-T. GRCh37 (hg19) VCF-style: chr14-104029439-G-T.
Other names: c.140G>T (NM_032374.4); c.101G>T, p.Arg34Leu (NM_001302653.2, NM_001302654.2); short protein forms R34L.
Identifiers: ClinVar variation 559337 (VCV000559337.11), dbSNP rs534048581, ClinGen allele CA267233090.